The following is an entry in ClinVar:

NM_006445.4(PRPF8):c.1255C>T (p.Arg419Cys)

Gene: PRPF8 (pre-mRNA processing factor 8; minus strand). Cytogenetic location: 17p13.3.
Variant type: single nucleotide variant.
Coding change: c.1255C>T on transcript NM_006445.4 (MANE Select); coding-DNA position 1255, C replaced by T.
Protein change: p.Arg419Cys; replaces arginine 419 with cysteine.
Molecular consequence: missense variant.
Genome position (GRCh38, 1-based): chr17:1,679,643, G>A on the plus strand (C>T on the coding strand, the complement: PRPF8 is on the minus strand). VCF-style: chr17-1679643-G-A. GRCh37 (hg19) VCF-style: chr17-1582937-G-A.
Other names: short protein forms R419C.
Identifiers: ClinVar variation 4862566 (VCV004862566.1).

ClinVar aggregate classification (germline): Uncertain significance (1 of 4 stars; one submission).

Conditions:
Inborn genetic diseases. Identifiers: MedGen C0950123, MeSH D030342.

Submission:

Ambry Genetics
Classification: Uncertain significance for Inborn genetic diseases. Last evaluated: 2026-04-30. Review status: criteria provided, single submitter. Criteria: Ambry Variant Classification Scheme 2023. Collection method: clinical testing. Allele origin: germline.
Comment: The c.1255C>T (p.R419C) alteration is located in exon 9 (coding exon 8) of the PRPF8 gene. This alteration results from a C to T substitution at nucleotide position 1255, causing the arginine (R) at amino acid position 419 to be replaced by a cysteine (C). Based on data from gnomAD, the T allele has an overall frequency of <0.001% (1/249866) total alleles studied. The highest observed frequency was 0.001% (1/112182) of European (non-Finnish) alleles. Based on insufficient or conflicting evidence, the clinical significance of this alteration remains unclear.